The following is an entry in ClinVar:

NM_000051.4(ATM):c.6733_6734del (p.Glu2245fs)

Genes: ATM (ATM serine/threonine kinase; plus strand), C11orf65 (chromosome 11 open reading frame 65; minus strand). Cytogenetic location: 11q22.3.
Variant type: Microsatellite.
Coding change: c.6733_6734del on transcript NM_000051.4 (MANE Select); coding-DNA positions 6733 to 6734, 2 bases deleted (GA; older notation c.6733_6734delGA).
Protein change: p.Glu2245fs; shifts the reading frame from glutamic acid 2245.
Molecular consequence: frameshift variant. On other transcripts: intron variant (2).
Genome position (GRCh38, 1-based): chr11:108,325,470-108,325,471, GA deleted; deleting any 2 consecutive bases within chr11:108,325,467-108,325,471 gives the same sequence; the c. name uses the placement nearest the transcript's 3' end. VCF-style (leftmost placement, unchanged base first): chr11-108325466-AAG-A. GRCh37 (hg19) VCF-style: chr11-108196193-AAG-A.
Other names: c.6733_6734del, p.Glu2245fs (NM_001351834.2); c.641-16397_641-16396del (NM_001330368.2); c.*38+9752_*38+9753del (NM_001351110.2); c.6733_6734delGA (NM_000051.3); c.6733_6734del (NM_000051.3); short protein forms E2245fs.
Identifiers: ClinVar variation 1755152 (VCV001755152.3), dbSNP rs2547205149, ClinGen allele CA2580615051.

ClinVar aggregate classification (germline): Pathogenic/Likely pathogenic. Review status: criteria provided, multiple submitters, no conflicts (2 of 4 stars). 3 submissions from 3 submitters: Pathogenic (2); Likely pathogenic (1). Last evaluated 2025-09-12.

Conditions:
Hereditary cancer-predisposing syndrome. Also called: Hereditary neoplastic syndrome; Neoplastic Syndromes, Hereditary; Tumor predisposition; Hereditary Cancer Syndrome. Identifiers: Orphanet 140162, MedGen C0027672, MeSH D009386, MONDO:0015356.
Familial cancer of breast. Also called: Hereditary breast cancer; hereditary breast carcinoma; BREAST CANCER, FAMILIAL. Identifiers: Orphanet 227535, MedGen C0346153, MONDO:0016419, OMIM 114480. Disease mechanism: loss of function.
Ataxia-telangiectasia syndrome (AT). Also called: Ataxia telangiectasia (A-T); LOUIS-BAR SYNDROME; Cerebello-oculocutaneous telangiectasia; Immunodeficiency with ataxia telangiectasia; Ataxia-telangiectasia, complementation group D; AT, COMPLEMENTATION GROUP C. Identifiers: Orphanet 100, MedGen C0004135, MONDO:0008840, OMIM 208900.

Submissions (3):

Ambry Genetics
Classification: Pathogenic for Hereditary cancer-predisposing syndrome. Last evaluated: 2025-09-12. Review status: criteria provided, single submitter. Criteria: Ambry Variant Classification Scheme 2023. Collection method: clinical testing. Allele origin: germline.
Comment: The c.6733_6734delGA pathogenic mutation, located in coding exon 45 of the ATM gene, results from a deletion of two nucleotides at nucleotide positions 6733 to 6734, causing a translational frameshift with a predicted alternate stop codon (p.E2245Mfs*3). This variant is considered to be rare based on population cohorts in the Genome Aggregation Database (gnomAD). This alteration is expected to result in loss of function by premature protein truncation or nonsense-mediated mRNA decay. As such, this alteration is interpreted as a disease-causing mutation.

Natera, Inc.
Classification: Likely pathogenic for Ataxia-telangiectasia. Last evaluated: 2024-05-21. Review status: criteria provided, single submitter. Criteria: Natera Variant Classification Schema (03/2026). Collection method: clinical testing. Allele origin: germline.
Comment: The c.6733_6734del variant in ATM is a frameshift variant predicted to shift the reading frame beginning at codon 2245 and leads to a stop codon 3 codons downstream. This variant is expected to result in nonsense mediated decay, truncation, or a dysfunctional protein product. This variant is rare in the general population with a frequency below the threshold expected for the associated phenotype(s). Given the available evidence, this variant is classified as Likely Pathogenic.

Myriad Genetics, Inc.
Classification: Pathogenic for Familial cancer of breast. Last evaluated: 2024-01-30. Review status: criteria provided, single submitter. Criteria: Myriad Autosomal Dominant, Autosomal Recessive and X-Linked Classification Criteria (2023). Collection method: clinical testing. Allele origin: unknown.
Comment: This variant is considered pathogenic. This variant creates a frameshift predicted to result in premature protein truncation.